The following is an entry in ClinVar:

ClinVar aggregate classification (germline): Conflicting classifications of pathogenicity. Review status: criteria provided, conflicting classifications (1 of 4 stars). 2 submissions from 2 submitters: Uncertain significance (1); Likely benign (1). Last evaluated 2025-04-12.

Conditions:
Inborn genetic diseases. Identifiers: MedGen C0950123, MeSH D030342.

Allele frequency attached by ClinVar (database versions not stated): ExAC 0.00005; TOPMed 0.00009; gnomAD 0.00012; 1000 Genomes Project 30x 0.00016; 1000 Genomes Project 0.00020; ESP Exome Variant Server 0.00023.
gnomAD v4.1: 24 of 1,543,598 alleles (0.0016%); highest among the groups gnomAD compares: African/African-American, 0.033%; no homozygotes.

Submissions (2):

Ambry Genetics
Classification: Uncertain significance for Inborn genetic diseases. Last evaluated: 2025-04-12. Review status: criteria provided, single submitter. Criteria: Ambry Variant Classification Scheme 2023. Collection method: clinical testing. Allele origin: germline.

CeGaT Center for Human Genetics Tuebingen
Classification: Likely benign. Last evaluated: 2024-06-01. Review status: criteria provided, single submitter. Criteria: CeGaT Center For Human Genetics Tuebingen Variant Classification Criteria Version 2. Collection method: clinical testing. Allele origin: germline. Affected: yes. Observed: 1 variant allele.
Comment: MAST1: BP4

NM_014975.3(MAST1):c.4517A>C (p.Glu1506Ala)

Gene: MAST1 (microtubule associated serine/threonine kinase 1; plus strand). Cytogenetic location: 19p13.13.
Variant type: single nucleotide variant.
Coding change: c.4517A>C on transcript NM_014975.3 (MANE Select); coding-DNA position 4517, A replaced by C.
Protein change: p.Glu1506Ala; replaces glutamic acid 1506 with alanine.
Molecular consequence: missense variant.
Genome position (GRCh38, 1-based): chr19:12,874,674, A>C. VCF-style: chr19-12874674-A-C. GRCh37 (hg19) VCF-style: chr19-12985488-A-C.
Other names: c.4517A>C (NM_014975.2); short protein forms E1506A.
Identifiers: ClinVar variation 3251054 (VCV003251054.18), dbSNP rs147923550.